The following is an entry in ClinVar:

NM_148960.3(CLDN19):c.561G>A (p.Pro187=)

Gene: CLDN19 (claudin 19; minus strand). Cytogenetic location: 1p34.2.
Variant type: single nucleotide variant.
Coding change: c.561G>A on transcript NM_148960.3 (MANE Select); coding-DNA position 561, G replaced by A.
Protein change: p.Pro187=; no amino-acid change (proline 187 retained).
Molecular consequence: synonymous variant. On other transcripts: missense variant (1).
Genome position (GRCh38, 1-based): chr1:42,735,943, C>T on the plus strand (G>A on the coding strand, the complement: CLDN19 is on the minus strand). VCF-style: chr1-42735943-C-T. GRCh37 (hg19) VCF-style: chr1-43201614-C-T.
Other names: p.Pro187=; c.561G>A, p.Pro187= (NM_001123395.2); c.476G>A, p.Arg159Gln (NM_001185117.2); short protein forms R159Q.
Identifiers: ClinVar variation 297341 (VCV000297341.22), dbSNP rs9660973, ClinGen allele CA801342.

ClinVar aggregate classification (germline): Benign/Likely benign. Review status: criteria provided, multiple submitters, no conflicts (2 of 4 stars). 8 submissions from 8 submitters: Benign (5); Likely benign (1). 2 of the submissions do not count toward it. Last evaluated 2026-02-01.

Conditions:
Renal hypomagnesemia 5 with ocular involvement. Also called: FHHNC WITH SEVERE OCULAR INVOLVEMENT; HYPOMAGNESEMIA, FAMILIAL, WITH HYPERCALCIURIA, NEPHROCALCINOSIS, AND SEVERE OCULAR INVOLVEMENT; HYPOMAGNESEMIA 5, RENAL, WITH OR WITHOUT OCULAR INVOLVEMENT; MACULAR COLOBOMA, BILATERAL, WITH HYPERCALCIURIA. Identifiers: Orphanet 2196, MedGen C4721891, MONDO:0009548, OMIM 248190.

Allele frequency attached by ClinVar (database versions not stated): gnomAD 0.05010; 1000 Genomes Project 0.05192; 1000 Genomes Project 30x 0.05247; ESP Exome Variant Server 0.05769; TOPMed 0.05950; ExAC 0.07725.
gnomAD v4.1: 68,398 of 1,577,392 alleles (4.3%); highest among the groups gnomAD compares: African/African-American, 9.8%; 1,756 homozygotes.

Submissions (12):

Labcorp Genetics (formerly Invitae), Labcorp
Classification: Benign. Last evaluated: 2026-02-01. Review status: criteria provided, single submitter. Criteria: Invitae Variant Classification Sherloc (09022015). Collection method: clinical testing. Allele origin: germline.

Blueprint Genetics
Classification: Likely benign. Last evaluated: 2024-11-26. Review status: criteria provided, single submitter. Criteria: ACMG Guidelines, 2015. Collection method: clinical testing. Allele origin: germline.

Mayo Clinic Laboratories, Mayo Clinic
Classification: Benign. Last evaluated: 2022-03-09. Review status: criteria provided, single submitter. Criteria: ACMG Guidelines, 2015. Collection method: clinical testing. Allele origin: germline. Observed: 17 variant alleles.

GeneDx
Classification: Benign. Last evaluated: 2018-11-10. Review status: criteria provided, single submitter. Criteria: GeneDx Variant Classification Process June 2021. Collection method: clinical testing. Allele origin: germline. Affected: yes.

Illumina Laboratory Services, Illumina
Classification: Benign for Renal hypomagnesemia 5 with ocular involvement. Last evaluated: 2018-01-13. Review status: criteria provided, single submitter. Criteria: ICSL Variant Classification Criteria 13 December 2019. Collection method: clinical testing. Allele origin: germline.
Comment: This variant was observed in the ICSL laboratory as part of a predisposition screen in an ostensibly healthy population. It had not been previously curated by ICSL or reported in the Human Gene Mutation Database (HGMD: prior to June 1st, 2018), and was therefore a candidate for classification through an automated scoring system. Utilizing variant allele frequency, disease prevalence and penetrance estimates, and inheritance mode, an automated score was calculated to assess if this variant is too frequent to cause the disease. Based on the score and internal cut-off values, a variant classified as benign is not then subjected to further curation. The score for this variant resulted in a classification of benign for this disease.

Breakthrough Genomics
Classification: Benign. Review status: criteria provided, single submitter. Criteria: ACMG Guidelines, 2015. Collection method: not provided. Allele origin: germline. Inheritance: Autosomal recessive inheritance. Affected: yes.

Dr. Peter K. Rogan Lab, Western University
No classification provided (evidence only). Condition: Sarcoma. Review status: no classification provided. Collection method: in vitro. Allele origin: not applicable. Functional consequence: retained intron. Not counted in ClinVar's aggregate classification.

Dr. Peter K. Rogan Lab, Western University
No classification provided (evidence only). Condition: Nonpapillary renal cell carcinoma. Review status: no classification provided. Collection method: in vitro. Allele origin: not applicable. Functional consequence: retained intron. Not counted in ClinVar's aggregate classification.

Dr. Peter K. Rogan Lab, Western University
No classification provided (evidence only). Condition: Ovarian serous cystadenocarcinoma. Review status: no classification provided. Collection method: in vitro. Allele origin: not applicable. Functional consequence: retained intron. Not counted in ClinVar's aggregate classification.

Dr. Peter K. Rogan Lab, Western University
No classification provided (evidence only). Condition: Ovarian serous cystadenocarcinoma. Review status: no classification provided. Collection method: in vitro. Allele origin: not applicable. Functional consequence: retained intron. Not counted in ClinVar's aggregate classification.

Genome Diagnostics Laboratory, University Medical Center Utrecht
Classification: Benign. Review status: no assertion criteria provided. Collection method: clinical testing. Allele origin: germline. Affected: yes. Study: VKGL Data-share Consensus. Not counted in ClinVar's aggregate classification.

Joint Genome Diagnostic Labs from Nijmegen and Maastricht, Radboudumc and MUMC+
Classification: Benign. Review status: no assertion criteria provided. Collection method: clinical testing. Allele origin: germline. Affected: yes. Study: VKGL Data-share Consensus. Not counted in ClinVar's aggregate classification.